The following is an entry in ClinVar:

NM_000168.6(GLI3):c.3155C>G (p.Pro1052Arg)

Gene: GLI3 (GLI family zinc finger 3; minus strand). Cytogenetic location: 7p14.1.
Variant type: single nucleotide variant.
Coding change: c.3155C>G on transcript NM_000168.6 (MANE Select); coding-DNA position 3155, C replaced by G.
Protein change: p.Pro1052Arg; replaces proline 1052 with arginine.
Molecular consequence: missense variant.
Genome position (GRCh38, 1-based): chr7:41,965,918, G>C on the plus strand (C>G on the coding strand, the complement: GLI3 is on the minus strand). VCF-style: chr7-41965918-G-C. GRCh37 (hg19) VCF-style: chr7-42005516-G-C.
Other names: short protein forms P1052R.
Identifiers: ClinVar variation 1254627 (VCV001254627.7), dbSNP rs2128705843, ClinGen allele CA367319047.

ClinVar aggregate classification (germline): Uncertain significance. Review status: criteria provided, multiple submitters, no conflicts (2 of 4 stars). 4 submissions from 4 submitters: Uncertain significance (4). Last evaluated 2024-03-26.

Conditions:
Pallister-Hall syndrome (PHS). Also called: GLI3-Related Pallister-Hall Syndrome; HYPOTHALAMIC HAMARTOBLASTOMA, HYPOPITUITARISM, IMPERFORATE ANUS, AND POSTAXIAL POLYDACTYLY. Identifiers: Orphanet 672, MedGen C0265220, MONDO:0007804, OMIM 146510.
Greig cephalopolysyndactyly syndrome (GCPS). Also called: Greig syndrome; GLI3-Related Greig Cephalopolysyndactyly Syndrome; POLYSYNDACTYLY WITH PECULIAR SKULL SHAPE. Identifiers: Orphanet 380, MedGen C0265306, MONDO:0008287, OMIM 175700.
Inborn genetic diseases. Identifiers: MedGen C0950123, MeSH D030342.
Polydactyly, postaxial, type A1. Identifiers: MedGen C4282400, MONDO:0008266, OMIM 174200.
Polysyndactyly 4. Also called: Polysyndactyly uncomplicated; Preaxial polydactyly 4. Identifiers: Orphanet 93338, MedGen C1868111, MONDO:0008272, OMIM 174700.

Allele frequency attached by ClinVar (database versions not stated): gnomAD exomes 0.00001.
gnomAD v4.1: 15 of 1,613,470 alleles (0.00093%); highest among the groups gnomAD compares: Non-Finnish European, 0.0013%; no homozygotes.

Submissions (4):

Ambry Genetics
Classification: Uncertain significance for Inborn genetic diseases. Last evaluated: 2024-03-26. Review status: criteria provided, single submitter. Criteria: Ambry Variant Classification Scheme 2023. Collection method: clinical testing. Allele origin: germline.

Labcorp Genetics (formerly Invitae), Labcorp
Classification: Uncertain significance for Pallister-Hall syndrome; Greig cephalopolysyndactyly syndrome. Last evaluated: 2023-03-18. Review status: criteria provided, single submitter. Criteria: Invitae Variant Classification Sherloc (09022015). Collection method: clinical testing. Allele origin: germline.
Comment: This sequence change replaces proline, which is neutral and non-polar, with arginine, which is basic and polar, at codon 1052 of the GLI3 protein (p.Pro1052Arg). This variant is not present in population databases (gnomAD no frequency). In summary, the available evidence is currently insufficient to determine the role of this variant in disease. Therefore, it has been classified as a Variant of Uncertain Significance. Advanced modeling of protein sequence and biophysical properties (such as structural, functional, and spatial information, amino acid conservation, physicochemical variation, residue mobility, and thermodynamic stability) performed at Invitae indicates that this missense variant is not expected to disrupt GLI3 protein function. ClinVar contains an entry for this variant (Variation ID: 1254627). This variant has not been reported in the literature in individuals affected with GLI3-related conditions.

Fulgent Genetics
Classification: Uncertain significance for Pallister-Hall syndrome; Polydactyly, postaxial, type A1; Polysyndactyly 4; Greig cephalopolysyndactyly syndrome. Last evaluated: 2021-11-03. Review status: criteria provided, single submitter. Criteria: ACMG Guidelines, 2015. Collection method: clinical testing. Allele origin: unknown.

GeneDx
Classification: Uncertain significance. Last evaluated: 2021-07-23. Review status: criteria provided, single submitter. Criteria: GeneDx Variant Classification Process June 2021. Collection method: clinical testing. Allele origin: germline. Affected: yes.
Comment: Not observed in large population cohorts (Lek et al., 2016); In silico analysis supports that this missense variant does not alter protein structure/function; Has not been previously published as pathogenic or benign to our knowledge